The following is an entry in ClinVar:

NM_004260.4(RECQL4):c.972_973delinsTC (p.Ser325Pro)

Gene: RECQL4 (RecQ like helicase 4; minus strand). Cytogenetic location: 8q24.3.
Variant type: Indel.
Coding change: c.972_973delinsTC on transcript NM_004260.4 (MANE Select); coding-DNA positions 972 to 973, CT replaced by TC.
Protein change: p.Ser325Pro; replaces serine 325 with proline.
Molecular consequence: missense variant.
Genome position (GRCh38, 1-based): chr8:144,516,146-144,516,147, AG replaced by GA on the plus strand (CT replaced by TC on the coding strand, the reverse complement: RECQL4 is on the minus strand). VCF-style: chr8-144516146-AG-GA. GRCh37 (hg19) VCF-style: chr8-145741530-AG-GA.
Other names: c.972_973delCTinsTC, p.Ser325Pro (NM_001413018.1, NM_001413019.1, NM_001413033.1 and 2 more transcripts); c.-100_-99delCTinsTC (NM_001413021.1, NM_001413022.1, NM_001413023.1 and 7 more transcripts); c.843_844delCTinsTC, p.Ser282Pro (NM_001413025.1); c.-162_-161delCTinsTC (NM_001413027.1, NM_001413030.1, NM_001413031.1 and 2 more transcripts); c.621_622delCTinsTC, p.Ser208Pro (NM_001413029.1); c.-369_-368delCTinsTC (NM_001413043.1); short protein forms S282P, S325P, S208P.
Identifiers: ClinVar variation 2048723 (VCV002048723.4), dbSNP rs2538084174, ClinGen allele CA2580078712.

ClinVar aggregate classification (germline): Uncertain significance (1 of 4 stars; one submission).

Conditions:
Baller-Gerold syndrome (BGS). Also called: CRANIOSYNOSTOSIS WITH RADIAL DEFECTS. Identifiers: Orphanet 1225, MedGen C0265308, MONDO:0009039, OMIM 218600.

Submission:

Labcorp Genetics (formerly Invitae), Labcorp
Classification: Uncertain significance for Baller-Gerold syndrome. Last evaluated: 2022-10-20. Review status: criteria provided, single submitter. Criteria: Invitae Variant Classification Sherloc (09022015). Collection method: clinical testing. Allele origin: germline.
Comment: In summary, the available evidence is currently insufficient to determine the role of this variant in disease. Therefore, it has been classified as a Variant of Uncertain Significance. Experimental studies and prediction algorithms are not available or were not evaluated, and the functional significance of this variant is currently unknown. This variant has not been reported in the literature in individuals affected with RECQL4-related conditions. Information on the frequency of this variant in the gnomAD database is not available, as this variant may be reported differently in the database. This sequence change replaces serine, which is neutral and polar, with proline, which is neutral and non-polar, at codon 325 of the RECQL4 protein (p.Ser325Pro).